The following is an entry in ClinVar:

NM_201384.3(PLEC):c.3679A>G (p.Arg1227Gly)

Gene: PLEC (plectin; minus strand). Cytogenetic location: 8q24.3.
Variant type: single nucleotide variant.
Coding change: c.3679A>G on transcript NM_201384.3 (MANE Select); coding-DNA position 3679, A replaced by G.
Protein change: p.Arg1227Gly; replaces arginine 1227 with glycine.
Molecular consequence: missense variant.
Genome position (GRCh38, 1-based): chr8:143,927,487, T>C on the plus strand (A>G on the coding strand, the complement: PLEC is on the minus strand). VCF-style: chr8-143927487-T-C. GRCh37 (hg19) VCF-style: chr8-145001655-T-C.
Other names: c.3760A>G, p.Arg1254Gly (NM_000445.5); c.3637A>G, p.Arg1213Gly (NM_201378.4); c.3613A>G, p.Arg1205Gly (NM_201379.3); c.4090A>G, p.Arg1364Gly (NM_201380.4); c.3583A>G, p.Arg1195Gly (NM_201381.3); c.3679A>G, p.Arg1227Gly (NM_201382.4); c.3691A>G, p.Arg1231Gly (NM_201383.3); short protein forms R1213G, R1231G, R1205G, R1227G, R1364G, R1195G, R1254G.
Identifiers: ClinVar variation 471579 (VCV000471579.5), dbSNP rs1554707565, ClinGen allele CA372565108.

ClinVar aggregate classification (germline): Uncertain significance (1 of 4 stars; one submission).

Conditions:
Epidermolysis bullosa simplex with nail dystrophy (EBS5D). Identifiers: MedGen C4225309, MONDO:0014661, OMIM 616487.
Epidermolysis bullosa simplex, Ogna type (EBS5A). Also called: Pidermolysis bullosa simplex 5A, Ogna type; EPIDERMOLYSIS BULLOSA SIMPLEX 5A, OGNA TYPE. Identifiers: Orphanet 79401, MedGen C0432317, MONDO:0007555, OMIM 131950.
Autosomal recessive limb-girdle muscular dystrophy type 2Q (LGMDR17). Also called: MUSCULAR DYSTROPHY, LIMB-GIRDLE, AUTOSOMAL RECESSIVE 17. Identifiers: Orphanet 254361, MedGen C3150989, MONDO:0013390, OMIM 613723.
Epidermolysis bullosa simplex 5C, with pyloric atresia (EBS5C). Also called: PLEC-Related Epidermolysis Bullosa with Pyloric Atresia; Epidermolysis bullosa simplex with pyloric atresia; PLEC1-Related Epidermolysis Bullosa with Pyloric Atresia. Identifiers: Orphanet 158684, MedGen C2677349, MONDO:0012807, OMIM 612138.
Epidermolysis bullosa simplex 5B, with muscular dystrophy (EBS5B). Also called: EPIDERMOLYSIS BULLOSA SIMPLEX AND LIMB-GIRDLE MUSCULAR DYSTROPHY; Epidermolysis bullosa simplex with muscular dystrophy. Identifiers: Orphanet 257, MedGen C2931072, MONDO:0009181, OMIM 226670.

Submission:

Labcorp Genetics (formerly Invitae), Labcorp
Classification: Uncertain significance for Autosomal recessive limb-girdle muscular dystrophy type 2Q; Epidermolysis bullosa simplex, Ogna type; Epidermolysis bullosa simplex with nail dystrophy; Epidermolysis bullosa simplex 5C, with pyloric atresia; Epidermolysis bullosa simplex 5B, with muscular dystrophy. Last evaluated: 2017-04-16. Review status: criteria provided, single submitter. Criteria: Invitae Variant Classification Sherloc (09022015). Collection method: clinical testing. Allele origin: germline.
Comment: In summary, this variant is a novel missense change that is not predicted to affect protein function. There is no indication that it causes disease, but the available evidence is currently insufficient to prove that conclusively. Therefore, it has been classified as a Variant of Uncertain Significance. Algorithms developed to predict the effect of missense changes on protein structure and function (SIFT, PolyPhen-2, Align-GVGD) all suggest that this variant is likely to be tolerated, but these predictions have not been confirmed by published functional studies. This variant is not present in population databases (ExAC no frequency) and has not been reported in the literature in individuals with a PLEC-related disease. This sequence change replaces arginine with glycine at codon 1254 of the PLEC protein (p.Arg1254Gly). The arginine residue is moderately conserved and there is a moderate physicochemical difference between arginine and glycine.